The following is an entry in ClinVar:

ClinVar aggregate classification (germline): Likely benign. Review status: criteria provided, single submitter (1 of 4 stars). 2 submissions from 2 submitters: Likely benign (1). 1 of the submissions does not count toward it. Last evaluated 2024-12-01.

Conditions:
KMT5B-related disorder. Also called: KMT5B-related condition.

Allele frequency attached by ClinVar (database versions not stated): ESP Exome Variant Server 0.00015; TOPMed 0.00026; gnomAD 0.00031; gnomAD exomes 0.00038; ExAC 0.00071; 1000 Genomes Project 0.00180; 1000 Genomes Project 30x 0.00219.

Submissions (2):

CeGaT Center for Human Genetics Tuebingen
Classification: Likely benign. Last evaluated: 2024-12-01. Review status: criteria provided, single submitter. Criteria: CeGaT Center For Human Genetics Tuebingen Variant Classification Criteria Version 2. Collection method: clinical testing. Allele origin: germline. Affected: yes. Observed: 2 variant alleles.
Comment: KMT5B: BP4, BS1

PreventionGenetics, part of Exact Sciences
Classification: Likely benign for KMT5B-related condition. Last evaluated: 2022-04-06. Review status: no assertion criteria provided. Collection method: clinical testing. Allele origin: germline. Not counted in ClinVar's aggregate classification.
Comment: This variant is classified as likely benign based on ACMG/AMP sequence variant interpretation guidelines (Richards et al. 2015 PMID: 25741868, with internal and published modifications).

NM_017635.5(KMT5B):c.1720G>A (p.Asp574Asn)

Gene: KMT5B (lysine methyltransferase 5B; minus strand). Cytogenetic location: 11q13.2.
Variant type: single nucleotide variant.
Coding change: c.1720G>A on transcript NM_017635.5 (MANE Select); coding-DNA position 1720, G replaced by A.
Protein change: p.Asp574Asn; replaces aspartic acid 574 with asparagine.
Molecular consequence: missense variant.
Genome position (GRCh38, 1-based): chr11:68,158,626, C>T on the plus strand (G>A on the coding strand, the complement: KMT5B is on the minus strand). VCF-style: chr11-68158626-C-T. GRCh37 (hg19) VCF-style: chr11-67926093-C-T.
Other names: c.1720G>A (NM_017635.4); c.1204G>A, p.Asp402Asn (NM_001300907.1, NM_001369428.1, NM_001369429.1 and 4 more transcripts); c.1000G>A, p.Asp334Asn (NM_001300908.2); c.1720G>A, p.Asp574Asn (NM_001369426.1); short protein forms D334N, D402N, D574N.
Identifiers: ClinVar variation 2642034 (VCV002642034.25), dbSNP rs113932704, ClinGen allele CA6148131.
Genomic context (GRCh38, chr11:68,158,626, plus strand): 5'-TCTCATGAGCCAGTTCTTCCTCCTGCAGCACAGGAGCTGGCTGCAGCTGTTCACCACTGT[C>T]GGGGCAAGGTTCCGTCACACTGCTTTTATAGCCATTCAACGTATTTGGTTCAAGCTTGAT-3'
Protein context (NP_060105.3, residues 564-584): YKSSVTEPCP[Asp574Asn]SGEQLQPAPV